The following is an entry in ClinVar:

ClinVar aggregate classification (germline): Uncertain significance (1 of 4 stars; one submission).

Conditions:
Ataxia-telangiectasia syndrome (AT). Also called: Cerebello-oculocutaneous telangiectasia; Immunodeficiency with ataxia telangiectasia; AT, COMPLEMENTATION GROUP C; Ataxia-telangiectasia, complementation group E; LOUIS-BAR SYNDROME; ATAXIA-TELANGIECTASIA, COMPLEMENTATION GROUP A. Identifiers: Orphanet 100, MedGen C0004135, MONDO:0008840, OMIM 208900.

Allele frequency attached by ClinVar (database versions not stated): gnomAD exomes below 0.00001; ExAC 0.00001.
gnomAD v4.1: 5 of 1,613,824 alleles (0.00031%); highest among the groups gnomAD compares: Non-Finnish European, 0.00042%; no homozygotes.

Submission:

Labcorp Genetics (formerly Invitae), Labcorp
Classification: Uncertain significance for Ataxia-telangiectasia syndrome. Last evaluated: 2021-07-12. Review status: criteria provided, single submitter. Criteria: Invitae Variant Classification Sherloc (09022015). Collection method: clinical testing. Allele origin: germline.
Comment: This sequence change replaces serine with threonine at codon 1872 of the ATM protein (p.Ser1872Thr). The serine residue is weakly conserved and there is a small physicochemical difference between serine and threonine. In summary, the available evidence is currently insufficient to determine the role of this variant in disease. Therefore, it has been classified as a Variant of Uncertain Significance. Advanced modeling of protein sequence and biophysical properties (such as structural, functional, and spatial information, amino acid conservation, physicochemical variation, residue mobility, and thermodynamic stability) performed at Invitae indicates that this missense variant is not expected to disrupt ATM protein function. This variant has not been reported in the literature in individuals affected with ATM-related conditions. This variant is present in population databases (rs761257154, ExAC 0.002%).

NM_000051.4(ATM):c.5615G>C (p.Ser1872Thr)

Gene: ATM (ATM serine/threonine kinase; plus strand). Cytogenetic location: 11q22.3.
Variant type: single nucleotide variant.
Coding change: c.5615G>C on transcript NM_000051.4 (MANE Select); coding-DNA position 5615, G replaced by C.
Protein change: p.Ser1872Thr; replaces serine 1872 with threonine.
Molecular consequence: missense variant.
Genome position (GRCh38, 1-based): chr11:108,304,793, G>C. VCF-style: chr11-108304793-G-C. GRCh37 (hg19) VCF-style: chr11-108175520-G-C.
Other names: c.5615G>C, p.Ser1872Thr (NM_001351834.2); short protein forms S1872T.
Identifiers: ClinVar variation 1366798 (VCV001366798.8), dbSNP rs761257154, ClinGen allele CA6265736.